The following is an entry in ClinVar:

ClinVar aggregate classification (germline): Uncertain significance (1 of 4 stars; one submission).

Conditions:
Multiple endocrine neoplasia, type 2 (MEN2). Identifiers: Orphanet 653, MedGen C4048306, MONDO:0019003. Disease mechanism: gain of function.

Submission:

Labcorp Genetics (formerly Invitae), Labcorp
Classification: Uncertain significance for Multiple endocrine neoplasia, type 2. Last evaluated: 2022-06-29. Review status: criteria provided, single submitter. Criteria: Invitae Variant Classification Sherloc (09022015). Collection method: clinical testing. Allele origin: germline.
Comment: This variant is present in population databases (no rsID available, gnomAD 0.005%). This sequence change replaces alanine, which is neutral and non-polar, with serine, which is neutral and polar, at codon 496 of the RET protein (p.Ala496Ser). Algorithms developed to predict the effect of missense changes on protein structure and function output the following: SIFT: "Tolerated"; PolyPhen-2: "Benign"; Align-GVGD: "Class C0". The serine amino acid residue is found in multiple mammalian species, which suggests that this missense change does not adversely affect protein function. This variant has not been reported in the literature in individuals affected with RET-related conditions. In summary, the available evidence is currently insufficient to determine the role of this variant in disease. Therefore, it has been classified as a Variant of Uncertain Significance.

NM_020975.6(RET):c.1486G>T (p.Ala496Ser)

Gene: RET (ret proto-oncogene; plus strand). Cytogenetic location: 10q11.21.
Variant type: single nucleotide variant.
Coding change: c.1486G>T on transcript NM_020975.6 (MANE Select); coding-DNA position 1486, G replaced by T.
Protein change: p.Ala496Ser; replaces alanine 496 with serine.
Molecular consequence: missense variant.
Genome position (GRCh38, 1-based): chr10:43,111,429, G>T. VCF-style: chr10-43111429-G-T. GRCh37 (hg19) VCF-style: chr10-43606877-G-T.
Other names: c.1486G>T, p.Ala496Ser (NM_000323.2, NM_001406743.1, NM_001406744.1 and 6 more transcripts); c.724G>T, p.Ala242Ser (NM_001355216.2); c.1357G>T, p.Ala453Ser (NM_001406761.1, NM_001406762.1, NM_001406764.1 and 1 more transcripts); c.961G>T, p.Ala321Ser (NM_001406774.1); c.760G>T, p.Ala254Ser (NM_001406775.1, NM_001406776.1, NM_001406777.1 and 1 more transcripts); c.496G>T, p.Ala166Ser (NM_001406784.1); c.1198G>T, p.Ala400Ser (NM_001406766.1, NM_001406767.1, NM_001406770.1); c.1090G>T, p.Ala364Ser (NM_001406769.1, NM_001406772.1); and 1 more; short protein forms A166S, A364S, A254S, A350S, A453S, A400S, A242S, A321S.
Identifiers: ClinVar variation 2012055 (VCV002012055.4), dbSNP rs1172578380, ClinGen allele CA376549903.
Genomic context (GRCh38, chr10:43,111,429, plus strand): 5'-CCCAAGTGTGCCGAACTTCACTACATGGTGGTGGCCACCGACCAGCAGACCTCTAGGCAG[G>T]CCCAGGCCCAGCTGCTTGTAACAGTGGAGGGGTCATGTGAGTGCCTGCTCCAGGGAGGGA-3'
Protein context (NP_066124.1, residues 486-506): VATDQQTSRQ[Ala496Ser]QAQLLVTVEG